The following is an entry in ClinVar:

NM_020778.5(ALPK3):c.2402C>T (p.Pro801Leu)

Gene: ALPK3 (alpha kinase 3; plus strand). Cytogenetic location: 15q25.3.
Variant type: single nucleotide variant.
Coding change: c.2402C>T on transcript NM_020778.5 (MANE Select); coding-DNA position 2402, C replaced by T.
Protein change: p.Pro801Leu; replaces proline 801 with leucine.
Molecular consequence: missense variant.
Genome position (GRCh38, 1-based): chr15:84,857,140, C>T. VCF-style: chr15-84857140-C-T. GRCh37 (hg19) VCF-style: chr15-85400371-C-T.
Other names: short protein forms P801L.
Identifiers: ClinVar variation 3859405 (VCV003859405.1).
Genomic context (GRCh38, chr15:84,857,140, plus strand): 5'-CAGCCTCCAGGAACCATGAGCAAACTGTGCTGGGTCCCCTGTCAGGGAACCTCATGCTCC[C>T]AGCACAGCCGCCCCATGAGGGGAGTGTGGAGCAGGTGGGAGGAGAGAGATGCCGAGGGCC-3'
Protein context (NP_065829.4, residues 791-811): LGPLSGNLML[Pro801Leu]AQPPHEGSVE

ClinVar aggregate classification (germline): Uncertain significance (1 of 4 stars; one submission).

Conditions:
Cardiovascular phenotype. Identifiers: MedGen CN230736.

Submission:

Ambry Genetics
Classification: Uncertain significance for Cardiovascular phenotype. Last evaluated: 2025-02-01. Review status: criteria provided, single submitter. Criteria: Ambry Variant Classification Scheme 2023. Collection method: clinical testing. Allele origin: germline.
Comment: The p.P1003L variant (also known as c.3008C>T), located in coding exon 6 of the ALPK3 gene, results from a C to T substitution at nucleotide position 3008. The proline at codon 1003 is replaced by leucine, an amino acid with similar properties. This amino acid position is conserved. In addition, this alteration is predicted to be tolerated by in silico analysis. Based on the available evidence, the clinical significance of this variant remains unclear.